The following is an entry in ClinVar:

NM_001127222.2(CACNA1A):c.*767_*771dup

Gene: CACNA1A (calcium voltage-gated channel subunit alpha1 A; minus strand). Cytogenetic location: 19p13.13.
Variant type: Duplication.
Coding change: c.*767_*771dup on transcript NM_001127222.2 (MANE Select); 767 bases downstream of the stop codon through 771 bases downstream of the stop codon, 5 bases duplicated (CTTTT; older notation c.*767_*771dupCTTTT).
Molecular consequence: 3 prime UTR variant.
Genome position (GRCh38, 1-based): chr19:13,206,542-13,206,546, AAAAG duplicated on the plus strand (CTTTT on the coding strand, the reverse complement: CACNA1A is on the minus strand); duplicating any 5 consecutive bases within chr19:13,206,542-13,206,548 gives the same sequence; the c. name uses the placement nearest the transcript's 3' end. VCF-style (leftmost placement, unchanged base first): chr19-13206541-A-AAAAAG. GRCh37 (hg19) VCF-style: chr19-13317355-A-AAAAAG.
Other names: c.*1500_*1504dup (NM_000068.4, NM_001127221.2, NM_001174080.2); c.*767_*771dup (NM_023035.3); c.*1500_*1504dupCTTTT (NM_001127221.2).
Identifiers: ClinVar variation 4688535 (VCV004688535.1).
Genomic context (GRCh38, chr19:13,206,541, plus strand): 5'-TGTCATGCAATAATTCACAGTCCCAAGCCCACGGTTTTCAAACAAGGTAGGAAAAAAGGA[A>AAAAAG]AAAAGAAGCAAAGGAATCGGTGGTGATGGTGGGTTTTTCTTCTTCTTTTGTTGTTTCAAG-3'

ClinVar aggregate classification (germline): Uncertain significance (1 of 4 stars; one submission).

Submission:

Women's Health and Genetics/Laboratory Corporation of America, LabCorp
Classification: Uncertain significance. Last evaluated: 2025-12-05. Review status: criteria provided, single submitter. Criteria: LabCorp Variant Classification Summary - May 2015. Collection method: clinical testing. Allele origin: germline.
Comment: Variant summary: CACNA1A c.*1500_*1504dupCTTTT is located in the untranslated mRNA region downstream of the termination codon. The variant was absent in 151456 control chromosomes (gnomAD). The available data on variant occurrences in the general population are insufficient to allow any conclusion about variant significance. c.*1500_*1504dupCTTTT has been observed in an individual diagnosed with Episodic Ataxia (Veneziano_2009), however a parent who also carried the variant didn't have ataxia/vertigo episodes although showed subtle signs of cerebellar deficit. The authors of this report proposed the existence of an additional exon in the 3'-UTR based on their investigations; however, this hypothesis needs further studies. Therefore, these data do not allow clear conclusions about variant significance. The following publication has been ascertained in the context of this evaluation (PMID: 18976783). No submitters have cited clinical-significance assessments for this variant to ClinVar. Based on the evidence outlined above, the variant was classified as uncertain significance.

Literature cited by the submitters: PubMed 18976783.